The following is an entry in ClinVar:

ClinVar aggregate classification (germline): Pathogenic. Review status: criteria provided, multiple submitters, no conflicts (2 of 4 stars). 8 submissions from 8 submitters: Pathogenic (7). 1 of the submissions does not count toward it. Last evaluated 2026-09-16.

Conditions:
Retinitis pigmentosa (RP). Identifiers: Orphanet 791, MedGen C0035334, MeSH D012174, MONDO:0019200, OMIM 268000. Inheritance: Autosomal dominant, autosomal recessive and X linked inheritance.
Retinitis pigmentosa 45 (RP45). Identifiers: Orphanet 791, MedGen C3151066, MONDO:0013413, OMIM 613767.
CNGB1-related disorder. Also called: CNGB1-related condition.

Allele frequency attached by ClinVar (database versions not stated): gnomAD 0.00002; TOPMed 0.00006.
gnomAD v4.1: 24 of 1,613,824 alleles (0.0015%); highest among the groups gnomAD compares: Middle Eastern, 0.016%; no homozygotes.

Submissions (8):

PreventionGenetics, part of Exact Sciences
Classification: Pathogenic for CNGB1-related condition. Last evaluated: 2026-09-16. Review status: criteria provided, single submitter. Criteria: ACMG Guidelines, 2015. Collection method: clinical testing. Allele origin: germline.
Comment: The CNGB1 c.2284C>T variant is predicted to result in the amino acid substitution p.Arg762Cys. This variant has been reported in the homozygous and compound heterozygous states in individuals with retinitis pigmentosa (see for examples: Azam et al. 2011. PubMed ID: 21987686; Bocquet. 2013. PubMed ID: 24339724; reviewed in Nassisi et al. 2021. PubMed ID: 33847019; Table S1, Karali et al. 2022. PubMed ID: 36460718). This variant is reported in 0.0016% of alleles in individuals of European (Non-Finnish) descent in gnomAD. This variant is interpreted as pathogenic.

Labcorp Genetics (formerly Invitae), Labcorp
Classification: Pathogenic. Last evaluated: 2025-08-04. Review status: criteria provided, single submitter. Criteria: Invitae Variant Classification Sherloc (09022015). Collection method: clinical testing. Allele origin: germline.
Comment: This sequence change replaces arginine, which is basic and polar, with cysteine, which is neutral and slightly polar, at codon 762 of the CNGB1 protein (p.Arg762Cys). This variant is present in population databases (no rsID available, gnomAD 0.002%). This missense change has been observed in individual(s) with autosomal recessive retinitis pigmentosa (PMID: 21987686, 24339724, 29202463). In at least one individual the data is consistent with being in trans (on the opposite chromosome) from a pathogenic variant. It has also been observed to segregate with disease in related individuals. ClinVar contains an entry for this variant (Variation ID: 812286). Invitae Evidence Modeling of protein sequence and biophysical properties (such as structural, functional, and spatial information, amino acid conservation, physicochemical variation, residue mobility, and thermodynamic stability) indicates that this missense variant is expected to disrupt CNGB1 protein function with a positive predictive value of 80%. For these reasons, this variant has been classified as Pathogenic.

Fulgent Genetics
Classification: Pathogenic for Retinitis pigmentosa 45. Last evaluated: 2024-03-28. Review status: criteria provided, single submitter. Criteria: ACMG Guidelines, 2015. Collection method: clinical testing. Allele origin: germline.

Genomic Medicine Center of Excellence, King Faisal Specialist Hospital and Research Centre
Classification: Pathogenic for Retinitis pigmentosa 45. Last evaluated: 2024-03-26. Review status: criteria provided, single submitter. Criteria: ACMG Guidelines, 2015. Collection method: clinical testing. Allele origin: germline.

GeneDx
Classification: Pathogenic. Last evaluated: 2024-01-10. Review status: criteria provided, single submitter. Criteria: GeneDx Variant Classification Process June 2021. Collection method: clinical testing. Allele origin: germline. Affected: yes.
Comment: Not observed at significant frequency in large population cohorts (gnomAD); In silico analysis supports that this missense variant has a deleterious effect on protein structure/function; This variant is associated with the following publications: (PMID: 24339724, 21987686, 31054281, 31456290, 29202463, 26306921, 29800053, 34426522, 33847019, 31964843, 36460718)

Blueprint Genetics
Classification: Pathogenic for CNGB1-related disorders. Last evaluated: 2023-04-24. Review status: criteria provided, single submitter. Criteria: ACMG Guidelines, 2015. Collection method: clinical testing. Allele origin: germline. Affected: yes. Observed: 5 variant alleles.

CeGaT Center for Human Genetics Tuebingen
Classification: Pathogenic. Last evaluated: 2019-08-01. Review status: criteria provided, single submitter. Criteria: CeGaT Center For Human Genetics Tuebingen Variant Classification Criteria Version 2. Collection method: clinical testing. Allele origin: germline. Affected: yes. Observed: 6 variant alleles.

Sharon lab, Hadassah-Hebrew University Medical Center
Classification: Pathogenic for Retinitis pigmentosa. Last evaluated: 2019-06-23. Review status: no assertion criteria provided. Collection method: research. Allele origin: inherited. Affected: yes. Not counted in ClinVar's aggregate classification.

Literature cited by the submitters: PubMed 21987686 (cited by Labcorp Genetics (formerly Invitae), Labcorp); PubMed 24339724 (cited by Labcorp Genetics (formerly Invitae), Labcorp); PubMed 29202463 (cited by Labcorp Genetics (formerly Invitae), Labcorp).

NM_001297.5(CNGB1):c.2284C>T (p.Arg762Cys)

Gene: CNGB1 (cyclic nucleotide gated channel subunit beta 1; minus strand). Cytogenetic location: 16q21.
Variant type: single nucleotide variant.
Coding change: c.2284C>T on transcript NM_001297.5 (MANE Select); coding-DNA position 2284, C replaced by T.
Protein change: p.Arg762Cys; replaces arginine 762 with cysteine.
Molecular consequence: missense variant.
Genome position (GRCh38, 1-based): chr16:57,915,269, G>A on the plus strand (C>T on the coding strand, the complement: CNGB1 is on the minus strand). VCF-style: chr16-57915269-G-A. GRCh37 (hg19) VCF-style: chr16-57949173-G-A.
Other names: c.2266C>T, p.Arg756Cys (NM_001286130.2); short protein forms R756C, R762C.
Identifiers: ClinVar variation 812286 (VCV000812286.56), dbSNP rs1028371920, ClinGen allele CA281598163.